The following is an entry in ClinVar:

NM_000393.5(COL5A2):c.318T>G (p.Asn106Lys)

Gene: COL5A2 (collagen type V alpha 2 chain; minus strand). Cytogenetic location: 2q32.2.
Variant type: single nucleotide variant.
Coding change: c.318T>G on transcript NM_000393.5 (MANE Select); coding-DNA position 318, T replaced by G.
Protein change: p.Asn106Lys; replaces asparagine 106 with lysine.
Molecular consequence: missense variant.
Genome position (GRCh38, 1-based): chr2:189,110,229, A>C on the plus strand (T>G on the coding strand, the complement: COL5A2 is on the minus strand). VCF-style: chr2-189110229-A-C. GRCh37 (hg19) VCF-style: chr2-189974955-A-C.
Other names: short protein forms N106K.
Identifiers: ClinVar variation 4808564 (VCV004808564.1).

ClinVar aggregate classification (germline): Uncertain significance (1 of 4 stars; one submission).

Conditions:
Ehlers-Danlos syndrome, classic type, 1 (EDSCL1). Also called: Ehlers-Danlos Syndrome, Classic Type, COL5A1-Related; EDS I; EHLERS-DANLOS SYNDROME, GRAVIS TYPE; EHLERS-DANLOS SYNDROME, SEVERE CLASSIC TYPE; Ehlers-Danlos syndrome, type 1. Identifiers: MedGen C0268335, MONDO:0019567, OMIM 130000.

gnomAD v4.1: 1 of 1,611,814 alleles (0.000062%); no homozygotes.

Submission:

Labcorp Genetics (formerly Invitae), Labcorp
Classification: Uncertain significance for Ehlers-Danlos syndrome, classic type, 1. Last evaluated: 2025-10-17. Review status: criteria provided, single submitter. Criteria: Invitae Variant Classification Sherloc (09022015). Collection method: clinical testing. Allele origin: germline.
Comment: This sequence change replaces asparagine, which is neutral and polar, with lysine, which is basic and polar, at codon 106 of the COL5A2 protein (p.Asn106Lys). This variant is not present in population databases (gnomAD no frequency). This variant has not been reported in the literature in individuals affected with COL5A2-related conditions. Invitae Evidence Modeling of protein sequence and biophysical properties (such as structural, functional, and spatial information, amino acid conservation, physicochemical variation, residue mobility, and thermodynamic stability) indicates that this missense variant is not expected to disrupt COL5A2 protein function with a negative predictive value of 95%. In summary, the available evidence is currently insufficient to determine the role of this variant in disease. Therefore, it has been classified as a Variant of Uncertain Significance.